The following is an entry in ClinVar:

ClinVar aggregate classification (germline): Conflicting classifications of pathogenicity. Review status: criteria provided, conflicting classifications (1 of 4 stars). 3 submissions from 3 submitters: Uncertain significance (2); Likely benign (1). Last evaluated 2026-03-27.

Allele frequency attached by ClinVar (database versions not stated): gnomAD exomes 0.00001 and 0.00004; gnomAD 0.00002; ExAC 0.00005; TOPMed 0.00002.
gnomAD v4.1: 21 of 1,613,708 alleles (0.0013%); highest among the groups gnomAD compares: Non-Finnish European, 0.00042%; no homozygotes.

Submissions (3):

Molecular Diagnostic Laboratory for Inherited Cardiovascular Disease, Montreal Heart Institute
Classification: Likely benign. Last evaluated: 2026-03-27. Review status: criteria provided, single submitter. Criteria: ACMG Guidelines, 2015. Collection method: clinical testing. Allele origin: germline. Affected: no.
Comment: BP1

Athena Diagnostics
Classification: Uncertain significance. Last evaluated: 2017-06-08. Review status: criteria provided, single submitter. Criteria: Athena Diagnostics Criteria. Collection method: clinical testing. Allele origin: germline.

GeneDx
Classification: Uncertain significance. Last evaluated: 2012-12-06. Review status: criteria provided, single submitter. Criteria: GeneDx Variant Classification (06012015). Collection method: clinical testing. Allele origin: germline. Affected: yes.
Comment: Missense variants in the TTN gene are considered 'unclassified' if they are not previously reported in the literature and do not have >1% frequency in the population to be considered a polymorphism. Research indicates that truncating mutations in the TTN gene are expected to account for approximately 25% of familial and 18% of sporadic idiopathic DCM; however, truncating variants in the TTN gene have been reported in approximately 3% of reported control alleles. There has been little investigation into non-truncating variants. (Herman D et al. Truncations of titin causing dilated cardiomyopathy. N Eng J Med 366:619-628, 2012) The variant is found in DCM panel(s).

NM_001267550.2(TTN):c.13897A>G (p.Lys4633Glu)

Gene: TTN (titin; minus strand). Cytogenetic location: 2q31.2.
Variant type: single nucleotide variant.
Coding change: c.13897A>G on transcript NM_001267550.2 (MANE Select); coding-DNA position 13897, A replaced by G.
Protein change: p.Lys4633Glu; replaces lysine 4633 with glutamic acid.
Molecular consequence: missense variant. On other transcripts: intron variant (1).
Genome position (GRCh38, 1-based): chr2:178,739,336, T>C on the plus strand (A>G on the coding strand, the complement: TTN is on the minus strand). VCF-style: chr2-178739336-T-C. GRCh37 (hg19) VCF-style: chr2-179604063-T-C.
Other names: p.K4316E:AAA>GAA; c.13897A>G (LRG_391t1); c.12946A>G, p.Lys4316Glu (NM_001256850.1); c.12808A>G, p.Lys4270Glu (NM_003319.4); c.13183A>G, p.Lys4395Glu (NM_133432.3); c.13384A>G, p.Lys4462Glu (NM_133437.4); c.10361-976A>G (NM_133378.4); short protein forms K4316E, K4633E, K4270E, K4395E, K4462E.
Identifiers: ClinVar variation 203232 (VCV000203232.3), dbSNP rs773833776, ClinGen allele CA311755.
Genomic context (GRCh38, chr2:178,739,336, plus strand): 5'-AACACTTGAACTTTTCATCTGAAGGCACCAGTTTATTCTCAAAATACCAATTCACCTCTT[T>C]AGCATTTGTTATGGATGTTGTGAGGTGTACAATATCACCTTCCTCAGAAACAGTGTCCAC-3'
Protein context (NP_001254479.2, residues 4623-4643): VHLTTSITNA[Lys4633Glu]EVNWYFENKL